The following is an entry in ClinVar:

NM_000018.4(ACADVL):c.1317dup (p.Met440fs)

Gene: ACADVL (acyl-CoA dehydrogenase very long chain; plus strand). Cytogenetic location: 17p13.1.
Variant type: Duplication.
Coding change: c.1317dup on transcript NM_000018.4 (MANE Select); coding-DNA position 1317, one base duplicated (T; older notation c.1317dupT).
Protein change: p.Met440fs; shifts the reading frame from methionine 440.
Molecular consequence: frameshift variant.
Genome position (GRCh38, 1-based): chr17:7,223,860, T duplicated. VCF-style (leftmost placement, unchanged base first): chr17-7223859-G-GT. GRCh37 (hg19) VCF-style: chr17-7127178-G-GT.
Other names: NM_000018.4(ACADVL):c.1317dup; p.Met440fs; c.1317dup (NM_000018.3, NM_000018.2); c.1251dup, p.Met418fs (NM_001033859.3); c.1386dup, p.Met463fs (NM_001270447.2); c.1089dup, p.Met364fs (NM_001270448.2); short protein forms M364fs, M418fs, M440fs, M463fs.
Identifiers: ClinVar variation 595610 (VCV000595610.18), dbSNP rs1567567440, ClinGen allele CA913190952.

ClinVar aggregate classification (germline): Likely pathogenic. Review status: reviewed by expert panel (3 of 4 stars). 7 submissions from 7 submitters: Likely pathogenic (1). 6 of the submissions do not count toward it. Last evaluated 2022-12-15.

Conditions:
ACADVL-related disorder. Also called: ACADVL-related condition.
Very long chain acyl-CoA dehydrogenase deficiency (ACADVLD). Also called: VLCAD Deficiency; Very Long-Chain Acyl-Coenzyme A Dehydrogenase Deficiency. Identifiers: Orphanet 26793, MedGen C3887523, MONDO:0008723, OMIM 201475.

Allele frequency attached by ClinVar (database versions not stated): gnomAD exomes below 0.00001.

Submissions (7):

ClinGen ACADVL Variant Curation Expert Panel, ClinGen
Classification: Likely pathogenic for Very long chain acyl-CoA dehydrogenase deficiency. Last evaluated: 2022-12-15. Review status: reviewed by expert panel. Criteria: clingen acadvl acmg specifications v1. Collection method: curation. Allele origin: germline. Inheritance: Autosomal recessive inheritance.
Comment: The c.1317dup (p.Met440fs) variant in ACADVL is a frameshift predicted to cause a premature stop codon in biologically relevant exon 13/20 leading to nonsense mediated decay in a gene in which loss-of-function is an established disease mechanism (PVS1: PMIDs 9973285, 11590124). This variant has been reported as a result of a positive newborn screening for VLCADD (PMID:26385305). This variant is also absent from gnomAD v2.1.1 (PM2_Supporting). The ACADVL Variant Curation Expert Panel VCEP classified the variant as likely pathogenic based on PVS1, PM2_Supporting.

Labcorp Genetics (formerly Invitae), Labcorp
Classification: Pathogenic for Very long chain acyl-CoA dehydrogenase deficiency. Last evaluated: 2026-01-22. Review status: criteria provided, single submitter. Criteria: Invitae Variant Classification Sherloc (09022015). Collection method: clinical testing. Allele origin: germline. Not counted in ClinVar's aggregate classification.
Comment: This sequence change creates a premature translational stop signal (p.Met440Tyrfs*23) in the ACADVL gene. It is expected to result in an absent or disrupted protein product. Loss-of-function variants in ACADVL are known to be pathogenic (PMID: 9973285, 11590124). This variant is not present in population databases (gnomAD no frequency). This premature translational stop signal has been observed in individual(s) with ACADVL-related conditions (PMID: 26385305). ClinVar contains an entry for this variant (Variation ID: 595610). For these reasons, this variant has been classified as Pathogenic.

GeneDx
Classification: Pathogenic. Last evaluated: 2024-03-25. Review status: criteria provided, single submitter. Criteria: GeneDx Variant Classification Process June 2021. Collection method: clinical testing. Allele origin: germline. Affected: yes. Not counted in ClinVar's aggregate classification.
Comment: Identified in two individuals with positive newborn screening results for VLCADD (PMID: 26385305); Frameshift variant predicted to result in protein truncation or nonsense mediated decay in a gene for which loss-of-function is a known mechanism of disease; Not observed at significant frequency in large population cohorts (gnomAD); This variant is associated with the following publications: (PMID: 26385305)

Baylor Genetics
Classification: Likely pathogenic for Very long chain acyl-CoA dehydrogenase deficiency. Last evaluated: 2024-01-08. Review status: criteria provided, single submitter. Criteria: ACMG Guidelines, 2015. Collection method: clinical testing. Allele origin: unknown. Not counted in ClinVar's aggregate classification.

Wong Mito Lab, Molecular and Human Genetics, Baylor College of Medicine
Classification: Pathogenic for Very long chain acyl-CoA dehydrogenase deficiency. Last evaluated: 2019-11-01. Review status: criteria provided, single submitter. Criteria: ACMG Guidelines, 2015. Collection method: clinical testing. Allele origin: germline. Not counted in ClinVar's aggregate classification.
Comment: The NM_000018.3:c.1317dupT (NP_000009.1:p.Met440TyrfsTer23) [GRCH38: NC_000017.11:g.7223860dup] variant in ACADVL gene is interpretated to be Pathogenic based on ACMG guidelines (PMID: 25741868). This variant has been reported. This variant meets the following evidence codes reported in the ACMG guidelines: PVS1, PS3

Eurofins Ntd Llc (ga)
Classification: Pathogenic. Last evaluated: 2018-01-11. Review status: criteria provided, single submitter. Criteria: EGL Classification Definitions 2015. Collection method: clinical testing. Allele origin: germline. Observed: 1 variant allele, 1 heterozygote. Not counted in ClinVar's aggregate classification.

PreventionGenetics, part of Exact Sciences
Classification: Pathogenic for ACADVL-related condition. Last evaluated: 2023-12-26. Review status: no assertion criteria provided. Collection method: clinical testing. Allele origin: germline. Not counted in ClinVar's aggregate classification.
Comment: The ACADVL c.1317dupT variant is predicted to result in a frameshift and premature protein termination (p.Met440Tyrfs*23). This variant was reported in at least one individual with very long chain acyl-CoA dehydrogenase deficiency (Table S2, Miller et al. 2015. PubMed ID: 26385305). This variant has not been reported in a large population database, indicating this variant is rare. Frameshift variants in ACADVL are expected to be pathogenic. This variant is interpreted as pathogenic.

Literature cited by the submitters: PubMed 9973285 (cited by Labcorp Genetics (formerly Invitae), Labcorp); PubMed 11590124 (cited by Labcorp Genetics (formerly Invitae), Labcorp); PubMed 26385305 (cited by Labcorp Genetics (formerly Invitae), Labcorp).